The following is an entry in ClinVar:

ClinVar aggregate classification (germline): Likely pathogenic (1 of 4 stars; one submission).

Conditions:
GNPTAB-mucolipidosis. Also called: UDP-N-acetylglucosamine-1-phosphotransferase subunit alpha/beta deficiency. Identifiers: MedGen CN322573, MONDO:0100122.

Submission:

Myriad Genetics, Inc.
Classification: Likely pathogenic for GNPTAB-mucolipidosis. Last evaluated: 2022-01-02. Review status: criteria provided, single submitter. Criteria: Myriad Autosomal Dominant, Autosomal Recessive and X-Linked Classification Criteria (2023). Collection method: clinical testing. Allele origin: unknown.
Comment: NM_024312.4(GNPTAB):c.2995delT(Y999Ifs*4) is expected to be pathogenic in the context of GNPTAB-related disorders. This variant is predicted to lead to an abnormal or absent protein product due to the creation of a premature termination codon in GNPTAB, a gene where loss-of-function variants are known to be pathogenic. Please note: this variant was assessed in the context of healthy population screening.

NM_024312.5(GNPTAB):c.2995del (p.Tyr999fs)

Gene: GNPTAB (N-acetylglucosamine-1-phosphate transferase subunits alpha and beta; minus strand). Cytogenetic location: 12q23.2.
Variant type: Deletion.
Coding change: c.2995del on transcript NM_024312.5 (MANE Select); coding-DNA position 2995, one base deleted (T; older notation c.2995delT).
Protein change: p.Tyr999fs; shifts the reading frame from tyrosine 999.
Molecular consequence: frameshift variant.
Genome position (GRCh38, 1-based): chr12:101,761,267, A deleted on the plus strand (T on the coding strand, the reverse complement: GNPTAB is on the minus strand); the first of 5 consecutive A bases (chr12:101,761,267-101,761,271); deleting any one gives the same sequence. VCF-style (leftmost placement, unchanged base first): chr12-101761266-TA-T. GRCh37 (hg19) VCF-style: chr12-102155044-TA-T.
Other names: short protein forms Y999fs.
Identifiers: ClinVar variation 1726927 (VCV001726927.3), dbSNP rs2547954391, ClinGen allele CA2580085669.